The following is an entry in ClinVar:

NM_006270.5(RRAS):c.576A>G (p.Lys192=)

Gene: RRAS (RAS related; minus strand). Cytogenetic location: 19q13.33.
Variant type: single nucleotide variant.
Coding change: c.576A>G on transcript NM_006270.5 (MANE Select); coding-DNA position 576, A replaced by G.
Protein change: p.Lys192=; no amino-acid change (lysine 192 retained).
Molecular consequence: synonymous variant.
Genome position (GRCh38, 1-based): chr19:49,635,657, T>C on the plus strand (A>G on the coding strand, the complement: RRAS is on the minus strand). VCF-style: chr19-49635657-T-C. GRCh37 (hg19) VCF-style: chr19-50138914-T-C.
Identifiers: ClinVar variation 2971617 (VCV002971617.3), dbSNP rs1260602560, ClinGen allele CA508130098.

ClinVar aggregate classification (germline): Uncertain significance (1 of 4 stars; one submission).

Conditions:
Noonan syndrome (NS). Also called: Noonan's syndrome. Identifiers: Orphanet 648, MedGen C0028326, MeSH D009634, MONDO:0018997. Disease mechanism: gain of function.

Allele frequency attached by ClinVar (database versions not stated): gnomAD exomes 0.00001.
gnomAD v4.1: 10 of 1,467,884 alleles (0.00068%); highest among the groups gnomAD compares: Middle Eastern, 0.019%; no homozygotes.

Submission:

Labcorp Genetics (formerly Invitae), Labcorp
Classification: Uncertain significance for Noonan syndrome. Last evaluated: 2023-02-11. Review status: criteria provided, single submitter. Criteria: Invitae Variant Classification Sherloc (09022015). Collection method: clinical testing. Allele origin: germline.
Comment: This sequence change affects codon 192 of the RRAS mRNA. It is a 'silent' change, meaning that it does not change the encoded amino acid sequence of the RRAS protein. This variant is present in population databases (no rsID available, gnomAD 0.001%). This variant has not been reported in the literature in individuals affected with RRAS-related conditions. Algorithms developed to predict the effect of sequence changes on RNA splicing suggest that this variant may create or strengthen a splice site. In summary, the available evidence is currently insufficient to determine the role of this variant in disease. Therefore, it has been classified as a Variant of Uncertain Significance.